The following is an entry in ClinVar:

NM_022489.4(INF2):c.2894G>A (p.Gly965Glu)

Gene: INF2 (inverted formin 2; plus strand). Cytogenetic location: 14q32.33.
Variant type: single nucleotide variant.
Coding change: c.2894G>A on transcript NM_022489.4 (MANE Select); coding-DNA position 2894, G replaced by A.
Protein change: p.Gly965Glu; replaces glycine 965 with glutamic acid.
Molecular consequence: missense variant. On other transcripts: non-coding transcript variant (1).
Genome position (GRCh38, 1-based): chr14:104,713,460, G>A. VCF-style: chr14-104713460-G-A. GRCh37 (hg19) VCF-style: chr14-105179797-G-A.
Other names: c.2894G>A, p.Gly965Glu (NM_001031714.4, NM_001426862.1, NM_001426863.1 and 2 more transcripts); short protein forms G965E.
Identifiers: ClinVar variation 4982114 (VCV004982114.1).

ClinVar aggregate classification (germline): Uncertain significance (1 of 4 stars; one submission).

Conditions:
INF2-related disorder. Also called: INF2-related condition.

Submission:

PreventionGenetics, part of Exact Sciences
Classification: Uncertain significance for INF2-related condition. Last evaluated: 2025-07-11. Review status: criteria provided, single submitter. Criteria: ACMG Guidelines, 2015. Collection method: clinical testing. Allele origin: germline.
Comment: The INF2 c.2894G>A variant is predicted to result in the amino acid substitution p.Gly965Glu. To our knowledge, this variant has not been reported in the literature or in a large population database (gnomAD), indicating this variant is rare. At this time, the clinical significance of this variant is uncertain due to the absence of conclusive functional and genetic evidence.